The following is an entry in ClinVar:

NM_145261.4(DNAJC19):c.59G>A (p.Arg20His)

Gene: DNAJC19 (DnaJ heat shock protein family (Hsp40) member C19; minus strand). Cytogenetic location: 3q26.33.
Variant type: single nucleotide variant.
Coding change: c.59G>A on transcript NM_145261.4 (MANE Select); coding-DNA position 59, G replaced by A.
Protein change: p.Arg20His; replaces arginine 20 with histidine.
Molecular consequence: missense variant. On other transcripts: 5 prime UTR variant (1), non-coding transcript variant (3).
Genome position (GRCh38, 1-based): chr3:180,988,093, C>T on the plus strand (G>A on the coding strand, the complement: DNAJC19 is on the minus strand). VCF-style: chr3-180988093-C-T. GRCh37 (hg19) VCF-style: chr3-180705881-C-T.
Other names: c.-17G>A (NM_001190233.2); short protein forms R20H.
Identifiers: ClinVar variation 466328 (VCV000466328.7), dbSNP rs756192515, ClinGen allele CA2717146.

ClinVar aggregate classification (germline): Conflicting classifications of pathogenicity. Review status: criteria provided, conflicting classifications (1 of 4 stars). 3 submissions from 3 submitters: Uncertain significance (2); Likely benign (1). Last evaluated 2024-10-18.

Conditions:
3-methylglutaconic aciduria type 5. Also called: CARDIOMYOPATHY, DILATED, WITH ATAXIA; MGA, TYPE V; 3 alpha methylglutaconic aciduria type V; MGA 5. Identifiers: Orphanet 66634, MedGen C1857776, MONDO:0012435, OMIM 610198.

Allele frequency attached by ClinVar (database versions not stated): gnomAD 0.00002 and 0.00003; TOPMed 0.00004.
gnomAD v4.1: 71 of 1,614,008 alleles (0.0044%); highest among the groups gnomAD compares: South Asian, 0.033%; no homozygotes.

Submissions (3):

Labcorp Genetics (formerly Invitae), Labcorp
Classification: Uncertain significance for 3-methylglutaconic aciduria type 5. Last evaluated: 2024-10-18. Review status: criteria provided, single submitter. Criteria: Invitae Variant Classification Sherloc (09022015). Collection method: clinical testing. Allele origin: germline.
Comment: This sequence change replaces arginine, which is basic and polar, with histidine, which is basic and polar, at codon 20 of the DNAJC19 protein (p.Arg20His). This variant is present in population databases (rs756192515, gnomAD 0.04%). This variant has not been reported in the literature in individuals affected with DNAJC19-related conditions. ClinVar contains an entry for this variant (Variation ID: 466328). An algorithm developed to predict the effect of missense changes on protein structure and function (PolyPhen-2) suggests that this variant¬†is likely to be tolerated. In summary, the available evidence is currently insufficient to determine the role of this variant in disease. Therefore, it has been classified as a Variant of Uncertain Significance.

Fulgent Genetics
Classification: Uncertain significance for 3-methylglutaconic aciduria type 5. Last evaluated: 2024-04-30. Review status: criteria provided, single submitter. Criteria: ACMG Guidelines, 2015. Collection method: clinical testing. Allele origin: germline.

Women's Health and Genetics/Laboratory Corporation of America, LabCorp
Classification: Likely benign. Last evaluated: 2024-03-28. Review status: criteria provided, single submitter. Criteria: LabCorp Variant Classification Summary - May 2015. Collection method: clinical testing. Allele origin: germline.
Comment: Variant summary: DNAJC19 c.59G>A (p.Arg20His) results in a non-conservative amino acid change in the encoded protein sequence. Three of five in-silico tools predict a damaging effect of the variant on protein function. The variant allele was found at a frequency of 5.6e-05 in 251434 control chromosomes. The observed variant frequency is approximately 2.23 fold of the estimated maximal expected allele frequency for a pathogenic variant in DNAJC19 causing Cardiomyopathy phenotype (2.5e-05), strongly suggesting that the variant is benign. c.59G>A has been reported in the literature in a family affected with Cardiomyopathy (Guo_2017). This report does not provide unequivocal conclusions about association of the variant with Cardiomyopathy. To our knowledge, no experimental evidence demonstrating an impact on protein function has been reported. The following publication have been ascertained in the context of this evaluation (PMID: 28296734). ClinVar contains an entry for this variant (Variation ID: 466328). Based on the evidence outlined above, the variant was classified as likely benign.

Literature cited by the submitters: PubMed 28296734 (cited by Women's Health and Genetics/Laboratory Corporation of America, LabCorp).